The following is an entry in ClinVar:

ClinVar aggregate classification (germline): Uncertain significance. Review status: criteria provided, multiple submitters, no conflicts (2 of 4 stars). 2 submissions from 2 submitters: Uncertain significance (2). Last evaluated 2024-02-25.

Conditions:
POLD1-related polyposis and colorectal cancer syndrome (CRCS10). Also called: Colorectal cancer 10; COLORECTAL CANCER, SUSCEPTIBILITY TO, ON CHROMOSOME 19q; Colorectal cancer, susceptibility to, 10. Identifiers: Orphanet 220460, MedGen C2675481, MONDO:0012953, OMIM 612591.
Hereditary cancer-predisposing syndrome. Also called: Tumor predisposition; Neoplastic Syndromes, Hereditary; Hereditary Cancer Syndrome; Hereditary neoplastic syndrome. Identifiers: Orphanet 140162, MedGen C0027672, MeSH D009386, MONDO:0015356.

Submissions (2):

Ambry Genetics
Classification: Uncertain significance for Hereditary cancer-predisposing syndrome. Last evaluated: 2024-02-25. Review status: criteria provided, single submitter. Criteria: Ambry Variant Classification Scheme 2023. Collection method: clinical testing. Allele origin: germline.
Comment: The p.Q1059L variant (also known as c.3176A>T), located in coding exon 25 of the POLD1 gene, results from an A to T substitution at nucleotide position 3176. The glutamine at codon 1059 is replaced by leucine, an amino acid with dissimilar properties. This amino acid position is conserved. In addition, the in silico prediction for this alteration is inconclusive. Based on the available evidence, the clinical significance of this alteration remains unclear.

Labcorp Genetics (formerly Invitae), Labcorp
Classification: Uncertain significance for POLD1-related polyposis and colorectal cancer syndrome. Last evaluated: 2022-02-11. Review status: criteria provided, single submitter. Criteria: Invitae Variant Classification Sherloc (09022015). Collection method: clinical testing. Allele origin: germline.
Comment: This sequence change replaces glutamine, which is neutral and polar, with leucine, which is neutral and non-polar, at codon 1059 of the POLD1 protein (p.Gln1059Leu). This variant is not present in population databases (gnomAD no frequency). This variant has not been reported in the literature in individuals affected with POLD1-related conditions. In summary, the available evidence is currently insufficient to determine the role of this variant in disease. Therefore, it has been classified as a Variant of Uncertain Significance. Algorithms developed to predict the effect of missense changes on protein structure and function are either unavailable or do not agree on the potential impact of this missense change (SIFT: "Deleterious"; PolyPhen-2: "Probably Damaging"; Align-GVGD: "Class C0").

NM_002691.4(POLD1):c.3176A>T (p.Gln1059Leu)

Gene: POLD1 (DNA polymerase delta 1, catalytic subunit; plus strand). Cytogenetic location: 19q13.33.
Variant type: single nucleotide variant.
Coding change: c.3176A>T on transcript NM_002691.4 (MANE Select); coding-DNA position 3176, A replaced by T.
Protein change: p.Gln1059Leu; replaces glutamine 1059 with leucine.
Molecular consequence: missense variant. On other transcripts: non-coding transcript variant (1).
Genome position (GRCh38, 1-based): chr19:50,417,227, A>T. VCF-style: chr19-50417227-A-T. GRCh37 (hg19) VCF-style: chr19-50920484-A-T.
Other names: c.3176A>T, p.Gln1059Leu (NM_001256849.1); c.3254A>T, p.Gln1085Leu (NM_001308632.1); c.3176A>T (NM_002691.2); short protein forms Q1059L, Q1085L.
Identifiers: ClinVar variation 2096836 (VCV002096836.5), dbSNP rs1386308245, ClinGen allele CA406987431.
Genomic context (GRCh38, chr19:50,417,227, plus strand): 5'-CCCAGGTATCCCATCTGAATGCCCTGGAGGAGCGCTTCTCGCGCCTCTGGACGCAGTGCC[A>T]GCGCTGCCAGGGCAGCCTGCACGAGGACGTCATCTGCACCAGGTGTGTGCCATGTCCCGA-3'
Protein context (NP_002682.2, residues 1049-1069): ERFSRLWTQC[Gln1059Leu]RCQGSLHEDV